The following is an entry in ClinVar:

ClinVar aggregate classification (germline): Uncertain significance. Review status: criteria provided, multiple submitters, no conflicts (2 of 4 stars). 2 submissions from 2 submitters: Uncertain significance (2). Last evaluated 2025-03-26.

Conditions:
Inborn genetic diseases. Identifiers: MedGen C0950123, MeSH D030342.

gnomAD v4.1: 2 of 1,610,976 alleles (0.00012%); highest among the groups gnomAD compares: Non-Finnish European, 0.00017%; no homozygotes.

Submissions (2):

Ambry Genetics
Classification: Uncertain significance for Inborn genetic diseases. Last evaluated: 2025-03-26. Review status: criteria provided, single submitter. Criteria: Ambry Variant Classification Scheme 2023. Collection method: clinical testing. Allele origin: germline.

GeneDx
Classification: Uncertain significance. Last evaluated: 2023-06-19. Review status: criteria provided, single submitter. Criteria: GeneDx Variant Classification Process June 2021. Collection method: clinical testing. Allele origin: germline. Affected: yes.
Comment: Not observed at significant frequency in large population cohorts (gnomAD); In silico analysis supports that this missense variant does not alter protein structure/function; Has not been previously published as pathogenic or benign to our knowledge

NM_004970.3(IGFALS):c.313C>A (p.Leu105Met)

Gene: IGFALS (insulin like growth factor binding protein acid labile subunit; minus strand). Cytogenetic location: 16p13.3.
Variant type: single nucleotide variant.
Coding change: c.313C>A on transcript NM_004970.3 (MANE Select); coding-DNA position 313, C replaced by A.
Protein change: p.Leu105Met; replaces leucine 105 with methionine.
Molecular consequence: missense variant. On other transcripts: non-coding transcript variant (1).
Genome position (GRCh38, 1-based): chr16:1,792,105, G>T on the plus strand (C>A on the coding strand, the complement: IGFALS is on the minus strand). VCF-style: chr16-1792105-G-T. GRCh37 (hg19) VCF-style: chr16-1842106-G-T.
Other names: c.427C>A, p.Leu143Met (NM_001146006.2); short protein forms L105M, L143M.
Identifiers: ClinVar variation 3360068 (VCV003360068.2).